The following is an entry in ClinVar:

ClinVar aggregate classification (germline): Uncertain significance (1 of 4 stars; one submission).

Conditions:
Renal coloboma syndrome (PAPRS). Also called: PAPILLORENAL SYNDROME; COLOBOMA OF OPTIC NERVE WITH RENAL DISEASE; OPTIC COLOBOMA, VESICOURETERAL REFLUX, AND RENAL ANOMALIES; OPTIC NERVE COLOBOMA WITH RENAL DISEASE; RENAL-COLOBOMA SYNDROME WITH MACULAR ABNORMALITIES; PAPILLORENAL SYNDROME WITH MILD OCULAR ABNORMALITIES. Identifiers: Orphanet 1475, MedGen C1852759, MONDO:0007352, OMIM 120330.
Focal segmental glomerulosclerosis 7 (FSGS7). Identifiers: Orphanet 656, MedGen C4014925, MONDO:0014451, OMIM 616002.

Submission:

Labcorp Genetics (formerly Invitae), Labcorp
Classification: Uncertain significance for Renal coloboma syndrome; Focal segmental glomerulosclerosis 7. Last evaluated: 2024-05-23. Review status: criteria provided, single submitter. Criteria: Invitae Variant Classification Sherloc (09022015). Collection method: clinical testing. Allele origin: germline.
Comment: This sequence change replaces asparagine, which is neutral and polar, with aspartic acid, which is acidic and polar, at codon 289 of the PAX2 protein (p.Asn289Asp). This variant is not present in population databases (gnomAD no frequency). This variant has not been reported in the literature in individuals affected with PAX2-related conditions. Experimental studies and prediction algorithms are not available or were not evaluated, and the functional significance of this variant is currently unknown. In summary, the available evidence is currently insufficient to determine the role of this variant in disease. Therefore, it has been classified as a Variant of Uncertain Significance.

NM_000278.5(PAX2):c.865A>G (p.Asn289Asp)

Gene: PAX2 (paired box 2; plus strand). Cytogenetic location: 10q24.31.
Variant type: single nucleotide variant.
Coding change: c.865A>G on transcript NM_000278.5 (MANE Select); coding-DNA position 865, A replaced by G.
Protein change: p.Asn289Asp; replaces asparagine 289 with aspartic acid.
Molecular consequence: missense variant.
Genome position (GRCh38, 1-based): chr10:100,809,182, A>G. VCF-style: chr10-100809182-A-G. GRCh37 (hg19) VCF-style: chr10-102568939-A-G.
Other names: c.865A>G, p.Asn289Asp (NM_003988.5, NM_003989.5); c.934A>G, p.Asn312Asp (NM_003990.5, NM_003987.5); c.958A>G, p.Asn320Asp (NM_001304569.2); short protein forms N289D, N312D, N320D.
Identifiers: ClinVar variation 3756525 (VCV003756525.2).